The following is an entry in ClinVar:

NC_000006.11:g.(?_88226514)_(88231252_?)del

Gene: RARS2 (arginyl-tRNA synthetase 2, mitochondrial; minus strand). Cytogenetic location: 6q15.
Variant type: Deletion.
Identifiers: ClinVar variation 2426535 (VCV002426535.3).

ClinVar aggregate classification (germline): Pathogenic (1 of 4 stars; one submission).

Submission:

Labcorp Genetics (formerly Invitae), Labcorp
Classification: Pathogenic. Last evaluated: 2022-05-15. Review status: criteria provided, single submitter. Criteria: Invitae Variant Classification Sherloc (09022015). Collection method: clinical testing. Allele origin: germline.
Comment: This variant is a gross deletion of the genomic region encompassing exon(s) 12-18 of the RARS2 gene. This variant would be expected to be in-frame, preserving the integrity of the reading frame. This variant has not been reported in the literature in individuals affected with RARS2-related conditions. This variant disrupts a region of the RARS2 protein in which other variant(s) (p.Val522Ile) have been determined to be pathogenic (PMID: 32313153, 34247374). This suggests that this is a clinically significant region of the protein, and that variants that disrupt it are likely to be disease-causing. For these reasons, this variant has been classified as Pathogenic.

Literature cited by the submitters: PubMed 32313153; PubMed 34247374.